The following is an entry in ClinVar:

ClinVar aggregate classification (germline): Pathogenic. Review status: criteria provided, single submitter (1 of 4 stars). 3 submissions from 3 submitters: Pathogenic (1). 2 of the submissions do not count toward it. Last evaluated 2015-05-14.

Conditions:
Pachyonychia congenita 2 (PC2). Also called: PACHYONYCHIA CONGENITA, JACKSON-LAWLER TYPE; Jackson-Lawler syndrome; KRT17-Related Pachyonychia Congenita; KRT6B-Related Pachyonychia Congenita; PC-K17. Identifiers: Orphanet 2309, MedGen C1721007, MONDO:0008174, OMIM 167210.

Submissions (3):

GeneDx
Classification: Pathogenic. Last evaluated: 2015-05-14. Review status: criteria provided, single submitter. Criteria: GeneDx Variant Classification (06012015). Collection method: clinical testing. Allele origin: germline. Affected: yes.
Comment: The L95P variant has been reported previously is a patient with sporadic pachyonychia congenita(Terrinoni et al. 2001). The L95P variant is a semi-conservative amino acid change and located in ahighly conserved region coding for the helix initiation motif of keratin 17, a known hotspot.Other pathogenic variants in this and neighboring codons (L95Q, R94H/P/G/C/Q) are published accordingto the Human Gene Mutation Database (Stenson et al. 2014). Moreover, L95P was not observed inapproximately 6,500 individuals of European and African American ancestry in the NHLBI ExomeSequencing Project, indicating it is not a common benign variant in these populations. Therefore, we interpret L95P as a pathogenic variant.

OMIM
Classification: Pathogenic for PACHYONYCHIA CONGENITA 2. Last evaluated: 2001-12-01. Review status: no assertion criteria provided. Collection method: literature only. Allele origin: germline. Not counted in ClinVar's aggregate classification.

Epithelial Biology;  Institute of Medical Biology, Singapore
No classification provided. Review status: no classification provided. Collection method: not provided. Allele origin: not provided. Not counted in ClinVar's aggregate classification.

Literature cited by the submitters: PubMed 11886499 (cited by OMIM).

NM_000422.3(KRT17):c.284T>C (p.Leu95Pro)

Gene: KRT17 (keratin 17; minus strand). Cytogenetic location: 17q21.2.
Variant type: single nucleotide variant.
Coding change: c.284T>C on transcript NM_000422.3 (MANE Select); coding-DNA position 284, T replaced by C.
Protein change: p.Leu95Pro; replaces leucine 95 with proline.
Molecular consequence: missense variant.
Genome position (GRCh38, 1-based): chr17:41,624,226, A>G on the plus strand (T>C on the coding strand, the complement: KRT17 is on the minus strand). VCF-style: chr17-41624226-A-G. GRCh37 (hg19) VCF-style: chr17-39780478-A-G.
Other names: short protein forms L95P.
Identifiers: ClinVar variation 14596 (VCV000014596.2), dbSNP rs28928899, ClinGen allele CA216615.